The following is an entry in ClinVar:

NM_000548.5(TSC2):c.5400G>C (p.Val1800=)

Gene: TSC2 (TSC complex subunit 2; plus strand). Cytogenetic location: 16p13.3.
Variant type: single nucleotide variant.
Coding change: c.5400G>C on transcript NM_000548.5 (MANE Select); coding-DNA position 5400, G replaced by C.
Protein change: p.Val1800=; no amino-acid change (valine 1800 retained).
Molecular consequence: synonymous variant.
Genome position (GRCh38, 1-based): chr16:2,088,586, G>C. VCF-style: chr16-2088586-G-C. GRCh37 (hg19) VCF-style: chr16-2138587-G-C.
Other names: c.5202G>C, p.Val1734= (NM_001363528.2); c.5268G>C, p.Val1756= (NM_001370404.1); c.5259G>C, p.Val1753= (NM_001370405.1); c.5271G>C, p.Val1757= (NM_021055.3); c.5199G>C, p.Val1733= (NM_001077183.3); c.5331G>C, p.Val1777= (NM_001114382.3); c.5091G>C, p.Val1697= (NM_001318827.2); c.5055G>C, p.Val1685= (NM_001318829.2); and 3 more.
Identifiers: ClinVar variation 1096334 (VCV001096334.12), dbSNP rs777327091, ClinGen allele CA055318.

ClinVar aggregate classification (germline): Benign/Likely benign. Review status: criteria provided, multiple submitters, no conflicts (2 of 4 stars). 4 submissions from 4 submitters: Benign (1); Likely benign (3). Last evaluated 2026-01-31.

Conditions:
Hereditary cancer-predisposing syndrome. Also called: Tumor predisposition; Neoplastic Syndromes, Hereditary; Hereditary Cancer Syndrome; Hereditary neoplastic syndrome. Identifiers: Orphanet 140162, MedGen C0027672, MeSH D009386, MONDO:0015356.
Lymphangiomyomatosis (LAM). Also called: Lymphangioleiomyomatosis, somatic; Lymphangioleiomyomatosis. Identifiers: Orphanet 538, MedGen C0751674, MONDO:0011705, OMIM 606690.
Tuberous sclerosis 2 (TSC2). Identifiers: Orphanet 805, MedGen C1860707, MONDO:0013199, OMIM 613254.
Isolated focal cortical dysplasia type II (FCORD2). Also called: CORTICAL DYSPLASIA OF TAYLOR; Focal cortical dysplasia type II. Identifiers: Orphanet 268994, MedGen C1846385, MONDO:0011818, OMIM 607341, HP:0032051.

Allele frequency attached by ClinVar (database versions not stated): gnomAD exomes below 0.00001 and 0.00001; gnomAD 0.00001; TOPMed 0.00001; ExAC 0.00002.
gnomAD v4.1: 7 of 1,606,584 alleles (0.00044%); highest among the groups gnomAD compares: East Asian, 0.016%; no homozygotes.

Submissions (4):

Labcorp Genetics (formerly Invitae), Labcorp
Classification: Likely benign for Tuberous sclerosis 2. Last evaluated: 2026-01-31. Review status: criteria provided, single submitter. Criteria: Invitae Variant Classification Sherloc (09022015). Collection method: clinical testing. Allele origin: germline.

Myriad Genetics, Inc.
Classification: Benign for Tuberous sclerosis 2. Last evaluated: 2025-06-09. Review status: criteria provided, single submitter. Criteria: Myriad Autosomal Dominant, Autosomal Recessive and X-Linked Classification Criteria (2023). Collection method: clinical testing. Allele origin: unknown.
Comment: This variant is considered benign. This variant is a silent/synonymous amino acid change and it is not expected to impact splicing.

Ambry Genetics
Classification: Likely benign for Hereditary cancer-predisposing syndrome. Last evaluated: 2023-10-27. Review status: criteria provided, single submitter. Criteria: Ambry Variant Classification Scheme 2023. Collection method: clinical testing. Allele origin: germline.

Fulgent Genetics
Classification: Likely benign for Lymphangiomyomatosis; Isolated focal cortical dysplasia type II; Tuberous sclerosis 2. Last evaluated: 2021-11-12. Review status: criteria provided, single submitter. Criteria: ACMG Guidelines, 2015. Collection method: clinical testing. Allele origin: unknown.